The following is an entry in ClinVar:

ClinVar aggregate classification (germline): Uncertain significance. Review status: criteria provided, multiple submitters, no conflicts (2 of 4 stars). 6 submissions from 6 submitters: Uncertain significance (5). 1 of the submissions does not count toward it. Last evaluated 2025-07-03.

Conditions:
Infantile cerebral and cerebellar atrophy with postnatal progressive microcephaly (MSBA). Identifiers: Orphanet 402364, MedGen C3150921, MONDO:0013351, OMIM 613668.

Allele frequency attached by ClinVar (database versions not stated): TOPMed 0.00029; ESP Exome Variant Server 0.00062.

Submissions (6):

Mayo Clinic Laboratories, Mayo Clinic
Classification: Uncertain significance. Last evaluated: 2025-07-03. Review status: criteria provided, single submitter. Criteria: ACMG Guidelines, 2015. Collection method: clinical testing. Allele origin: germline. Observed: 1 variant allele.
Comment: BP4

Blueprint Genetics
Classification: Uncertain significance. Last evaluated: 2024-11-15. Review status: criteria provided, single submitter. Criteria: ACMG Guidelines, 2015. Collection method: clinical testing. Allele origin: germline.

Women's Health and Genetics/Laboratory Corporation of America, LabCorp
Classification: Uncertain significance. Last evaluated: 2023-12-07. Review status: criteria provided, single submitter. Criteria: LabCorp Variant Classification Summary - May 2015. Collection method: clinical testing. Allele origin: germline.

Labcorp Genetics (formerly Invitae), Labcorp
Classification: Uncertain significance. Last evaluated: 2022-10-13. Review status: criteria provided, single submitter. Criteria: Invitae Variant Classification Sherloc (09022015). Collection method: clinical testing. Allele origin: germline.
Comment: This sequence change replaces methionine, which is neutral and non-polar, with leucine, which is neutral and non-polar, at codon 109 of the MED17 protein (p.Met109Leu). This variant is present in population databases (rs144529403, gnomAD 0.06%). This variant has not been reported in the literature in individuals affected with MED17-related conditions. ClinVar contains an entry for this variant (Variation ID: 990609). Advanced modeling of protein sequence and biophysical properties (such as structural, functional, and spatial information, amino acid conservation, physicochemical variation, residue mobility, and thermodynamic stability) performed at Invitae indicates that this missense variant is not expected to disrupt MED17 protein function. In summary, the available evidence is currently insufficient to determine the role of this variant in disease. Therefore, it has been classified as a Variant of Uncertain Significance.

Fulgent Genetics
Classification: Uncertain significance for Infantile cerebral and cerebellar atrophy with postnatal progressive microcephaly. Last evaluated: 2022-05-11. Review status: criteria provided, single submitter. Criteria: ACMG Guidelines, 2015. Collection method: clinical testing. Allele origin: unknown.

Natera, Inc.
Classification: Uncertain significance for Postnatal progressive microcephaly with seizures and brain atrophy. Last evaluated: 2020-04-17. Review status: no assertion criteria provided. Collection method: clinical testing. Allele origin: germline. Not counted in ClinVar's aggregate classification.

NM_004268.5(MED17):c.325A>C (p.Met109Leu)

Gene: MED17 (mediator complex subunit 17; plus strand). Cytogenetic location: 11q21.
Variant type: single nucleotide variant.
Coding change: c.325A>C on transcript NM_004268.5 (MANE Select); coding-DNA position 325, A replaced by C.
Protein change: p.Met109Leu; replaces methionine 109 with leucine.
Molecular consequence: missense variant.
Genome position (GRCh38, 1-based): chr11:93,788,075, A>C. VCF-style: chr11-93788075-A-C. GRCh37 (hg19) VCF-style: chr11-93521241-A-C.
Other names: p.Met109Leu; short protein forms M109L.
Identifiers: ClinVar variation 990609 (VCV000990609.6), dbSNP rs144529403, ClinGen allele CA6232301.